The following is an entry in ClinVar:

NM_000038.6(APC):c.730-2333A>C

Gene: APC (APC regulator of WNT signaling pathway; plus strand). Cytogenetic location: 5q22.2.
Variant type: single nucleotide variant.
Coding change: c.730-2333A>C on transcript NM_000038.6 (MANE Select); 2333 bases into the intron before coding-DNA position 730, A replaced by C.
Molecular consequence: intron variant.
Genome position (GRCh38, 1-based): chr5:112,798,946, A>C. VCF-style: chr5-112798946-A-C. GRCh37 (hg19) VCF-style: chr5-112134643-A-C.
Other names: c.730-2333A>C (NM_001354895.2, NM_001127510.3, NM_001354896.2 and 1 more transcripts); c.760-2333A>C (NM_001354897.2, NM_001354902.2); c.676-2333A>C (NM_001127511.3); c.655-2333A>C (NM_001354898.2, NM_001354904.2); c.-306-2333A>C (NM_001354906.2); c.646-2333A>C (NM_001354899.2); c.553-2333A>C (NM_001354900.2, NM_001354901.2, NM_001354905.2).
Identifiers: ClinVar variation 83026 (VCV000083026.2), dbSNP rs76500274, ClinGen allele CA013468.

ClinVar aggregate classification (germline): other (0 of 4 stars; one submission).

Conditions:
Familial colorectal cancer. Identifiers: MedGen CN280943, MONDO:0023113. Disease mechanism: loss of function.

Allele frequency attached by ClinVar (database versions not stated): gnomAD 0.00044 and 0.00070; TOPMed 0.00098; 1000 Genomes Project 30x 0.00125; 1000 Genomes Project 0.00160.
gnomAD v4.1: 105 of 152,252 alleles (0.069%); highest among the groups gnomAD compares: East Asian, 1.6%; 1 homozygote.

Submission:

Systems Biology Platform Zhejiang California International NanoSystems Institute
Classification: other for Familial colorectal cancer. Review status: no assertion criteria provided. Collection method: not provided. Allele origin: unknown.
ClinVar note: Converted during submission from cancer to other.